The following is an entry in ClinVar:

ClinVar aggregate classification (germline): Uncertain significance (1 of 4 stars; one submission).

Conditions:
Hereditary cancer-predisposing syndrome. Also called: Neoplastic Syndromes, Hereditary; Tumor predisposition; Hereditary Cancer Syndrome; Hereditary neoplastic syndrome. Identifiers: Orphanet 140162, MedGen C0027672, MeSH D009386, MONDO:0015356.

Submission:

Ambry Genetics
Classification: Uncertain significance for Hereditary cancer-predisposing syndrome. Last evaluated: 2020-12-10. Review status: criteria provided, single submitter. Criteria: Ambry Variant Classification Scheme 2023. Collection method: clinical testing. Allele origin: germline.
Comment: The c.1851_1862del12 variant (also known as p.Q618_L621del) is located in coding exon 4 of the MSH6 gene. This variant results from an in-frame TCAGGAAGGTCT deletion at nucleotide positions 1851 to 1862. This results in the in-frame deletion of four amino acids at codon positions 618 to 621. This amino acid region is highly conserved in available vertebrate species. In addition, this alteration is predicted to be deleterious by in silico analysis (Choi Y et al. PLoS ONE. 2012; 7(10):e46688). Since supporting evidence is limited at this time, the clinical significance of this alteration remains unclear.

NM_000179.3(MSH6):c.1851_1862del (p.Gln618_Leu621del)

Gene: MSH6 (mutS homolog 6; plus strand). Cytogenetic location: 2p16.3.
Variant type: Deletion.
Coding change: c.1851_1862del on transcript NM_000179.3 (MANE Select); coding-DNA positions 1851 to 1862, 12 bases deleted (TCAGGAAGGTCT).
Protein change: p.Gln618_Leu621del.
Molecular consequence: inframe deletion. On other transcripts: inframe indel (35).
Genome position (GRCh38, 1-based): chr2:47,799,834-47,799,845, TCAGGAAGGTCT deleted; deleting any 12 consecutive bases within chr2:47,799,831-47,799,845 gives the same sequence; the c. name uses the placement nearest the transcript's 3' end. VCF-style (leftmost placement, unchanged base first): chr2-47799830-CTCTTCAGGAAGG-C. GRCh37 (hg19) VCF-style: chr2-48026969-CTCTTCAGGAAGG-C.
Other names: c.1461_1472del, p.Gln488_Leu491del (NM_001281492.2); c.945_956del, p.Gln316_Leu319del (NM_001281493.2, NM_001281494.2); c.1947_1958delTCAGGAAGGTCT, p.Gln650_Leu653del (NM_001406795.1, NM_001406802.1); c.1851_1862delTCAGGAAGGTCT, p.Gln618_Leu621del (NM_001406796.1, NM_001406798.1, NM_001406800.1 and 3 more transcripts); c.1554_1565delTCAGGAAGGTCT, p.Gln519_Leu522del (NM_001406797.1, NM_001406801.1, NM_001406805.1 and 10 more transcripts); c.1326_1337delTCAGGAAGGTCT, p.Gln443_Leu446del (NM_001406799.1, NM_001406806.1, NM_001406807.1); c.1773_1784delTCAGGAAGGTCT, p.Gln592_Leu595del (NM_001406804.1); c.945_956delTCAGGAAGGTCT, p.Gln316_Leu319del (NM_001406811.1, NM_001406812.1, NM_001406814.1 and 4 more transcripts); and 3 more.
Identifiers: ClinVar variation 1781327 (VCV001781327.2), dbSNP rs2530634081, ClinGen allele CA2580067715.